The following is an entry in ClinVar:

ClinVar aggregate classification (germline): Uncertain significance (1 of 4 stars; one submission).

Conditions:
Hereditary sensory neuropathy-deafness-dementia syndrome. Also called: NEUROPATHY, HEREDITARY SENSORY, WITH HEARING LOSS AND DEMENTIA; Hereditary sensory neuropathy type IE; Hereditary Sensory and Autonomic Neuropathy Type 1E (HSAN1E); HSN IE. Identifiers: Orphanet 456318, MedGen C3279885, MONDO:0013584, OMIM 614116.

Submission:

Labcorp Genetics (formerly Invitae), Labcorp
Classification: Uncertain significance for Hereditary sensory neuropathy-deafness-dementia syndrome. Last evaluated: 2023-02-01. Review status: criteria provided, single submitter. Criteria: Invitae Variant Classification Sherloc (09022015). Collection method: clinical testing. Allele origin: germline.
Comment: In summary, the available evidence is currently insufficient to determine the role of this variant in disease. Therefore, it has been classified as a Variant of Uncertain Significance. Variants that disrupt the consensus splice site are a relatively common cause of aberrant splicing (PMID: 17576681, 9536098). This sequence change falls in intron 16 of the DNMT1 gene. It does not directly change the encoded amino acid sequence of the DNMT1 protein. It affects a nucleotide within the consensus splice site. Information on the frequency of this variant in the gnomAD database is not available, as this variant may be reported differently in the database. This variant has not been reported in the literature in individuals affected with DNMT1-related conditions.

Literature cited by the submitters: PubMed 17576681; PubMed 9536098.

NM_001130823.3(DNMT1):c.1170+3_1170+4delinsGG

Gene: DNMT1 (DNA methyltransferase 1; minus strand). Cytogenetic location: 19p13.2.
Variant type: Indel.
Coding change: c.1170+3_1170+4delinsGG on transcript NM_001130823.3 (MANE Select); bases 3 to 4 of the intron after coding-DNA position 1170, AC replaced by GG.
Molecular consequence: intron variant.
Genome position (GRCh38, 1-based): chr19:10,159,838-10,159,839, GT replaced by CC on the plus strand (AC replaced by GG on the coding strand, the reverse complement: DNMT1 is on the minus strand). VCF-style: chr19-10159838-GT-CC. GRCh37 (hg19) VCF-style: chr19-10270514-GT-CC.
Other names: c.807+3_807+4delinsGG (NM_001318731.2); c.1122+3_1122+4delinsGG (NM_001379.4, NM_001318730.2).
Identifiers: ClinVar variation 2833481 (VCV002833481.3), dbSNP rs2513836443, ClinGen allele CA2739276437.